The following is an entry in ClinVar:

ClinVar aggregate classification (germline): Uncertain significance (1 of 4 stars; one submission).

Conditions:
Drash syndrome (DDS). Also called: WILMS TUMOR AND PSEUDO- OR TRUE HERMAPHRODITISM; NEPHROPATHY, WILMS TUMOR, AND GENITAL ANOMALIES. Identifiers: Orphanet 220, MedGen C0950121, MONDO:0008682, OMIM 194080.
Frasier syndrome. Identifiers: Orphanet 347, MedGen C0950122, MeSH D052159, MONDO:0007635, OMIM 136680.
Wilms tumor 1 (WT1). Also called: Wilms tumor, somatic. Identifiers: Orphanet 654, MedGen CN033288, MONDO:0008679, OMIM 194070.
11p partial monosomy syndrome (WAGR). Also called: WAGR syndrome; CHROMOSOME 11p13 DELETION SYNDROME; WAGR Complex; WAGR Spectrum Disorder. Identifiers: Orphanet 893, MedGen C0206115, MONDO:0008681, OMIM 194072.

Submission:

Labcorp Genetics (formerly Invitae), Labcorp
Classification: Uncertain significance for Wilms tumor 1; Drash syndrome; 11p partial monosomy syndrome; Frasier syndrome. Last evaluated: 2019-07-30. Review status: criteria provided, single submitter. Criteria: Invitae Variant Classification Sherloc (09022015). Collection method: clinical testing. Allele origin: germline.
Comment: This variant is not present in population databases (ExAC no frequency). This sequence change replaces glutamic acid with lysine at codon 150 of the WT1 protein (p.Glu150Lys). The glutamic acid residue is highly conserved and there is a small physicochemical difference between glutamic acid and lysine. This variant has not been reported in the literature in individuals with WT1-related conditions. In summary, the available evidence is currently insufficient to determine the role of this variant in disease. Therefore, it has been classified as a Variant of Uncertain Significance. Algorithms developed to predict the effect of missense changes on protein structure and function are either unavailable or do not agree on the potential impact of this missense change (SIFT: "Deleterious"; PolyPhen-2: "Benign"; Align-GVGD: "Class C15").

NM_024426.6(WT1):c.463G>A (p.Glu155Lys)

Genes: WT1 (WT1 transcription factor; minus strand), LOC107982234 (WT1/WT1-AS bi-directional promoter region; plus strand). Cytogenetic location: 11p13.
Variant type: single nucleotide variant.
Coding change: c.463G>A on transcript NM_024426.6 (MANE Select); coding-DNA position 463, G replaced by A.
Protein change: p.Glu155Lys; replaces glutamic acid 155 with lysine.
Molecular consequence: missense variant. On other transcripts: non-coding transcript variant (1).
Genome position (GRCh38, 1-based): chr11:32,434,898, C>T on the plus strand (G>A on the coding strand, the complement: WT1 is on the minus strand). VCF-style: chr11-32434898-C-T. GRCh37 (hg19) VCF-style: chr11-32456444-C-T.
Other names: c.463G>A, p.Glu155Lys (NM_000378.6, NM_024424.5); short protein forms E155K.
Identifiers: ClinVar variation 941538 (VCV000941538.10), dbSNP rs1853446395, ClinGen allele CA379965008.